The following is an entry in ClinVar:

ClinVar aggregate classification (germline): Pathogenic (1 of 4 stars; one submission).

Conditions:
Gorlin syndrome. Also called: Basal cell nevus syndrome; Nevoid Basal Cell Carcinoma Syndrome. Identifiers: Orphanet 377, MedGen C0004779, MONDO:0007187.

Submission:

Labcorp Genetics (formerly Invitae), Labcorp
Classification: Pathogenic for Gorlin syndrome. Last evaluated: 2019-11-07. Review status: criteria provided, single submitter. Criteria: Invitae Variant Classification Sherloc (09022015). Collection method: clinical testing. Allele origin: germline.
Comment: This variant has not been reported in the literature in individuals with PTCH1-related conditions. Loss-of-function variants in PTCH1 are known to be pathogenic (PMID: 16301862, 16419085). This variant is not present in population databases (ExAC no frequency). This sequence change creates a premature translational stop signal (p.Met319Glyfs*117) in the PTCH1 gene. It is expected to result in an absent or disrupted protein product. For these reasons, this variant has been classified as Pathogenic.

Literature cited by the submitters: PubMed 16301862; PubMed 16419085.

NM_000264.5(PTCH1):c.955_956del (p.Met319fs)

Gene: PTCH1 (patched 1; minus strand). Cytogenetic location: 9q22.32.
Variant type: Microsatellite.
Coding change: c.955_956del on transcript NM_000264.5 (MANE Select); coding-DNA positions 955 to 956, 2 bases deleted (AT; older notation c.955_956delAT).
Protein change: p.Met319fs; shifts the reading frame from methionine 319.
Molecular consequence: frameshift variant. On other transcripts: non-coding transcript variant (1).
Genome position (GRCh38, 1-based): chr9:95,480,080-95,480,081, AT deleted on the plus strand (AT on the coding strand, the reverse complement: PTCH1 is on the minus strand); deleting any 2 consecutive bases within chr9:95,480,080-95,480,083 gives the same sequence; the c. name uses the placement nearest the transcript's 3' end. VCF-style (leftmost placement, unchanged base first): chr9-95480079-CAT-C. GRCh37 (hg19) VCF-style: chr9-98242361-CAT-C.
Other names: c.757_758del, p.Met253fs (NM_001083602.3); c.952_953del, p.Met318fs (NM_001083603.3); c.502_503del, p.Met168fs (NM_001083604.3, NM_001083605.3, NM_001083606.3 and 1 more transcripts); c.955_956del, p.Met319fs (NM_001354918.2); short protein forms M318fs, M319fs, M168fs, M253fs.
Identifiers: ClinVar variation 955457 (VCV000955457.8), dbSNP rs1841411687, ClinGen allele CA1865651389.
Genomic context (GRCh38, chr9:95,480,079, plus strand): 5'-CTCCTGCCAGTGCATATACTTTCTGGATAAGCCATGACATCCACCATTCAAAACAAGGGC[CAT>C]ATCAAGAGGCTAAAATAAAAAGACAGCCACATAATTATGGGAATTAGTAGGCAGGTCACA-3'